The following is an entry in ClinVar:

ClinVar aggregate classification (germline): Uncertain significance. Review status: criteria provided, multiple submitters, no conflicts (2 of 4 stars). 2 submissions from 2 submitters: Uncertain significance (2). Last evaluated 2026-05-08.

Conditions:
Inborn genetic diseases. Identifiers: MedGen C0950123, MeSH D030342.

gnomAD v4.1: 1 of 1,611,394 alleles (0.000062%); highest among the groups gnomAD compares: Non-Finnish European, 0.000085%; no homozygotes.

Submissions (2):

Ambry Genetics
Classification: Uncertain significance for Inborn genetic diseases. Last evaluated: 2026-05-08. Review status: criteria provided, single submitter. Criteria: Ambry Variant Classification Scheme 2023. Collection method: clinical testing. Allele origin: germline.
Comment: The c.1799G>A (p.R600Q) alteration is located in exon 15 (coding exon 14) of the ZMYND11 gene. This alteration results from a G to A substitution at nucleotide position 1799, causing the arginine (R) at amino acid position 600 to be replaced by a glutamine (Q). This variant was not reported in population-based cohorts in the Genome Aggregation Database (gnomAD). Other variant(s) at the same codon, c.1798C>T (p.R600W) have been identified in individual(s) with features consistent with ZMYND11-related neurodevelopmental disorder, (Cobben, 2014; Ambry internal data). This amino acid position is highly conserved in available vertebrate species. This missense variant is located in a region that has a low rate of benign missense variation (Lek, 2016; Firth, 2009). The in silico prediction for this alteration is inconclusive. Based on insufficient or conflicting evidence, the clinical significance of this alteration remains unclear.

Dasa
Classification: Uncertain significance. Last evaluated: 2024-10-08. Review status: criteria provided, single submitter. Criteria: DASA Assertion Criteria. Collection method: clinical testing. Allele origin: germline.
Comment: NM_001370100.5(ZMYND11):c.1799G>A (p.Arg600Gln) is a missense variant that results in the substitution of arginine with glutamine. The affected residue or protein region has prior evidence supporting clinical relevance. This variant is rare in population databases. The currently available literature and clinical evidence are not sufficient to establish a definitive association between this variant and the reported condition. Therefore, this variant is classified as a variant of uncertain significance.

Literature cited by the submitters: PubMed 25281490 (cited by Ambry Genetics).

NM_001370100.5(ZMYND11):c.1799G>A (p.Arg600Gln)

Gene: ZMYND11 (zinc finger MYND-type containing 11; plus strand). Cytogenetic location: 10p15.3.
Variant type: single nucleotide variant.
Coding change: c.1799G>A on transcript NM_001370100.5 (MANE Select); coding-DNA position 1799, G replaced by A.
Protein change: p.Arg600Gln; replaces arginine 600 with glutamine.
Molecular consequence: missense variant. On other transcripts: non-coding transcript variant (1).
Genome position (GRCh38, 1-based): chr10:252,460, G>A. VCF-style: chr10-252460-G-A. GRCh37 (hg19) VCF-style: chr10-298400-G-A.
Other names: c.1799G>A, p.Arg600Gln (NM_001370101.2, NM_001370102.2, NM_006624.7 and 3 more transcripts); c.1637G>A, p.Arg546Gln (NM_001370103.2, NM_001370104.2, NM_001370105.2 and 5 more transcripts); c.1571G>A, p.Arg524Gln (NM_001370120.2); c.1517G>A, p.Arg506Gln (NM_001370121.2); c.1493G>A, p.Arg498Gln (NM_001370122.2); c.1442G>A, p.Arg481Gln (NM_001370123.2); c.1328G>A, p.Arg443Gln (NM_001370124.3); c.1544G>A, p.Arg515Gln (NM_001202465.3, NM_001370110.2); and 8 more; short protein forms R443Q, R481Q, R498Q, R506Q, R515Q, R524Q, R545Q, R546Q.
Identifiers: ClinVar variation 4866913 (VCV004866913.3).